The following is an entry in ClinVar:

NM_004369.4(COL6A3):c.6120G>T (p.Arg2040Ser)

Gene: COL6A3 (collagen type VI alpha 3 chain; minus strand). Cytogenetic location: 2q37.3.
Variant type: single nucleotide variant.
Coding change: c.6120G>T on transcript NM_004369.4 (MANE Select); coding-DNA position 6120, G replaced by T.
Protein change: p.Arg2040Ser; replaces arginine 2040 with serine.
Molecular consequence: missense variant.
Genome position (GRCh38, 1-based): chr2:237,361,775, C>A on the plus strand (G>T on the coding strand, the complement: COL6A3 is on the minus strand). VCF-style: chr2-237361775-C-A. GRCh37 (hg19) VCF-style: chr2-238270418-C-A.
Other names: c.4299G>T, p.Arg1433Ser (NM_057166.5); c.5502G>T, p.Arg1834Ser (NM_057167.4); short protein forms R1433S, R2040S, R1834S.
Identifiers: ClinVar variation 941690 (VCV000941690.9), dbSNP rs767129751, ClinGen allele CA351217781.

ClinVar aggregate classification (germline): Uncertain significance (1 of 4 stars; one submission).

Conditions:
Bethlem myopathy 1A. Also called: Bethlem Muscular Dystrophy; MYOPATHY, BENIGN CONGENITAL, WITH CONTRACTURES; Bethlem myopathy 1. Identifiers: Orphanet 610, MedGen CN029274, MONDO:0024530, OMIM 158810.

Submission:

Labcorp Genetics (formerly Invitae), Labcorp
Classification: Uncertain significance for Bethlem myopathy 1A. Last evaluated: 2023-11-13. Review status: criteria provided, single submitter. Criteria: Invitae Variant Classification Sherloc (09022015). Collection method: clinical testing. Allele origin: germline.
Comment: This sequence change replaces arginine, which is basic and polar, with serine, which is neutral and polar, at codon 2040 of the COL6A3 protein (p.Arg2040Ser). This variant is not present in population databases (gnomAD no frequency). This variant has not been reported in the literature in individuals affected with COL6A3-related conditions. ClinVar contains an entry for this variant (Variation ID: 941690). Advanced modeling of protein sequence and biophysical properties (such as structural, functional, and spatial information, amino acid conservation, physicochemical variation, residue mobility, and thermodynamic stability) performed at Invitae indicates that this missense variant is not expected to disrupt COL6A3 protein function with a negative predictive value of 80%. In summary, the available evidence is currently insufficient to determine the role of this variant in disease. Therefore, it has been classified as a Variant of Uncertain Significance.